The following is an entry in ClinVar:

ClinVar aggregate classification (germline): Likely benign (1 of 4 stars; one submission).

gnomAD v4.1: 917 of 1,614,214 alleles (0.057%); highest among the groups gnomAD compares: Non-Finnish European, 0.071%; no homozygotes.

Submission:

CeGaT Center for Human Genetics Tuebingen
Classification: Likely benign. Last evaluated: 2026-03-01. Review status: criteria provided, single submitter. Criteria: CeGaT Center For Human Genetics Tuebingen Variant Classification Criteria Version 2. Collection method: clinical testing. Allele origin: germline. Affected: yes. Observed: 2 variant alleles.
Comment: ITPR3: BP4, BP7

NM_002224.4(ITPR3):c.3327G>A (p.Val1109=)

Gene: ITPR3 (inositol 1,4,5-trisphosphate receptor type 3; plus strand). Cytogenetic location: 6p21.31.
Variant type: single nucleotide variant.
Coding change: c.3327G>A on transcript NM_002224.4 (MANE Select); coding-DNA position 3327, G replaced by A.
Protein change: p.Val1109=; no amino-acid change (valine 1109 retained).
Molecular consequence: synonymous variant.
Genome position (GRCh38, 1-based): chr6:33,676,812, G>A. VCF-style: chr6-33676812-G-A. GRCh37 (hg19) VCF-style: chr6-33644589-G-A.
Identifiers: ClinVar variation 3904990 (VCV003904990.10).